The following is an entry in ClinVar:

ClinVar aggregate classification (germline): Uncertain significance. Review status: criteria provided, multiple submitters, no conflicts (2 of 4 stars). 3 submissions from 3 submitters: Uncertain significance (3). Last evaluated 2025-11-20.

Conditions:
RPGR-related disorder. Also called: RPGR-related condition.
Primary ciliary dyskinesia. Also called: Ciliary dyskinesia. Identifiers: Orphanet 244, MedGen C0008780, MONDO:0016575, HP:0012265.

gnomAD v4.1: 9 of 1,160,663 alleles (0.00078%); highest among the groups gnomAD compares: East Asian, 0.0098%; no homozygotes.

Submissions (3):

PreventionGenetics, part of Exact Sciences
Classification: Uncertain significance for RPGR-related condition. Last evaluated: 2025-11-20. Review status: criteria provided, single submitter. Criteria: ACMG Guidelines, 2015. Collection method: clinical testing. Allele origin: germline.
Comment: The RPGR c.2215G>A variant is predicted to result in the amino acid substitution p.Glu739Lys. To our knowledge, this variant has not been reported in the literature or in a large population database (gnomAD), indicating this variant is rare. At this time, the clinical significance of this variant is uncertain due to the absence of conclusive functional and genetic evidence.

Blueprint Genetics
Classification: Uncertain significance. Last evaluated: 2023-09-27. Review status: criteria provided, single submitter. Criteria: ACMG Guidelines, 2015. Collection method: clinical testing. Allele origin: germline.

Labcorp Genetics (formerly Invitae), Labcorp
Classification: Uncertain significance for Primary ciliary dyskinesia. Last evaluated: 2022-11-24. Review status: criteria provided, single submitter. Criteria: Invitae Variant Classification Sherloc (09022015). Collection method: clinical testing. Allele origin: germline.
Comment: This sequence change replaces glutamic acid, which is acidic and polar, with lysine, which is basic and polar, at codon 739 of the RPGR (ORF15) protein (p.Glu739Lys). This variant is not present in population databases (gnomAD no frequency). This variant has not been reported in the literature in individuals affected with RPGR (ORF15)-related conditions. Advanced modeling of protein sequence and biophysical properties (such as structural, functional, and spatial information, amino acid conservation, physicochemical variation, residue mobility, and thermodynamic stability) performed at Invitae indicates that this missense variant is not expected to disrupt RPGR (ORF15) protein function. In summary, the available evidence is currently insufficient to determine the role of this variant in disease. Therefore, it has been classified as a Variant of Uncertain Significance.

NM_001034853.2(RPGR):c.2215G>A (p.Glu739Lys)

Gene: RPGR (retinitis pigmentosa GTPase regulator; minus strand). Cytogenetic location: Xp11.4.
Variant type: single nucleotide variant.
Coding change: c.2215G>A on transcript NM_001034853.2 (MANE Select); coding-DNA position 2215, G replaced by A.
Protein change: p.Glu739Lys; replaces glutamic acid 739 with lysine.
Molecular consequence: missense variant. On other transcripts: intron variant (8).
Genome position (GRCh38, 1-based): chrX:38,286,784, C>T on the plus strand (G>A on the coding strand, the complement: RPGR is on the minus strand). VCF-style: chrX-38286784-C-T. GRCh37 (hg19) VCF-style: chrX-38146037-C-T.
Other names: c.2215G>A (NM_001034853.1); c.1569+4175G>A (NM_001367249.1, NM_001367250.1); c.1902+310G>A (NM_001367245.1); c.1386+4175G>A (NM_001367251.1); c.1719+310G>A (NM_001367246.1); c.1572+4175G>A (NM_001367247.1); c.1905+310G>A (NM_000328.3); c.1602+4175G>A (NM_001367248.1); short protein forms E739K.
Identifiers: ClinVar variation 2717771 (VCV002717771.4), dbSNP rs1459539276, ClinGen allele CA412731170.
Genomic context (GRCh38, chrX:38,286,784, plus strand): 5'-CTTCCTCTTTCCCTTCTCCCTCCTTCTCTTCTTCCTCTTCTCTGTCTCCCTCCTCTTCTT[C>T]TCCTTCTCCATGCTCCTCCTCCCCTCCCTCCTCCATCTCTTGGTTTCTTTCCTTCTGATG-3'
Protein context (NP_001030025.1, residues 729-749): EGGEEEHGEG[Glu739Lys]EEEGDREEEE